The following is an entry in ClinVar:

NM_001982.4(ERBB3):c.3007G>A (p.Val1003Ile)

Gene: ERBB3 (erb-b2 receptor tyrosine kinase 3; plus strand). Cytogenetic location: 12q13.2.
Variant type: single nucleotide variant.
Coding change: c.3007G>A on transcript NM_001982.4 (MANE Select); coding-DNA position 3007, G replaced by A.
Protein change: p.Val1003Ile; replaces valine 1003 with isoleucine.
Molecular consequence: missense variant.
Genome position (GRCh38, 1-based): chr12:56,099,907, G>A. VCF-style: chr12-56099907-G-A. GRCh37 (hg19) VCF-style: chr12-56493691-G-A.
Other names: short protein forms V1003I.
Identifiers: ClinVar variation 3038887 (VCV003038887.2), dbSNP rs549592321, ClinGen allele CA237627765.

ClinVar aggregate classification (germline): Uncertain significance (0 of 4 stars; one submission).

Conditions:
ERBB3-related disorder. Also called: ERBB3-related condition.

Submission:

PreventionGenetics, part of Exact Sciences
Classification: Uncertain significance for ERBB3-related condition. Last evaluated: 2024-02-22. Review status: no assertion criteria provided. Collection method: clinical testing. Allele origin: germline.
Comment: The ERBB3 c.3007G>A variant is predicted to result in the amino acid substitution p.Val1003Ile. To our knowledge, this variant has not been reported in the literature or in a large population database, indicating this variant is rare. At this time, the clinical significance of this variant is uncertain due to the absence of conclusive functional and genetic evidence.